The following is an entry in ClinVar:

NM_000264.5(PTCH1):c.56G>A (p.Gly19Asp)

Genes: PTCH1 (patched 1; minus strand), LOC130002133 (ATAC-STARR-seq lymphoblastoid silent region 20071; plus strand). Cytogenetic location: 9q22.32.
Variant type: single nucleotide variant.
Coding change: c.56G>A on transcript NM_000264.5 (MANE Select); coding-DNA position 56, G replaced by A.
Protein change: p.Gly19Asp; replaces glycine 19 with aspartic acid.
Molecular consequence: missense variant. On other transcripts: intron variant (3), non-coding transcript variant (1).
Genome position (GRCh38, 1-based): chr9:95,508,306, C>T on the plus strand (G>A on the coding strand, the complement: PTCH1 is on the minus strand). VCF-style: chr9-95508306-C-T. GRCh37 (hg19) VCF-style: chr9-98270588-C-T.
Other names: c.199-1707G>A (NM_001083603.3); c.4-1707G>A (NM_001083602.3, NM_001354919.2); c.56G>A, p.Gly19Asp (NM_001354918.2); short protein forms G19D.
Identifiers: ClinVar variation 825909 (VCV000825909.13), dbSNP rs587780708, ClinGen allele CA374121504.

ClinVar aggregate classification (germline): Conflicting classifications of pathogenicity. Review status: criteria provided, conflicting classifications (1 of 4 stars). 3 submissions from 3 submitters: Uncertain significance (2); Benign (1). Last evaluated 2025-11-17.

Conditions:
Gorlin syndrome. Also called: Nevoid Basal Cell Carcinoma Syndrome; Basal cell nevus syndrome. Identifiers: Orphanet 377, MedGen C0004779, MONDO:0007187.
Hereditary cancer-predisposing syndrome. Also called: Neoplastic Syndromes, Hereditary; Hereditary Cancer Syndrome; Hereditary neoplastic syndrome; Tumor predisposition. Identifiers: Orphanet 140162, MedGen C0027672, MeSH D009386, MONDO:0015356.

Allele frequency attached by ClinVar (database versions not stated): TOPMed 0.00002.
gnomAD v4.1: 15 of 1,407,286 alleles (0.0011%); highest among the groups gnomAD compares: Admixed American, 0.0066%; no homozygotes.

Submissions (3):

Labcorp Genetics (formerly Invitae), Labcorp
Classification: Uncertain significance for Gorlin syndrome. Last evaluated: 2025-11-17. Review status: criteria provided, single submitter. Criteria: Invitae Variant Classification Sherloc (09022015). Collection method: clinical testing. Allele origin: germline.
Comment: This sequence change replaces glycine, which is neutral and non-polar, with aspartic acid, which is acidic and polar, at codon 19 of the PTCH1 protein (p.Gly19Asp). This variant is not present in population databases (gnomAD no frequency). This variant has not been reported in the literature in individuals affected with PTCH1-related conditions. ClinVar contains an entry for this variant (Variation ID: 825909). Invitae Evidence Modeling of protein sequence and biophysical properties (such as structural, functional, and spatial information, amino acid conservation, physicochemical variation, residue mobility, and thermodynamic stability) indicates that this missense variant is not expected to disrupt PTCH1 protein function with a negative predictive value of 95%. In summary, the available evidence is currently insufficient to determine the role of this variant in disease. Therefore, it has been classified as a Variant of Uncertain Significance.

Ambry Genetics
Classification: Benign for Hereditary cancer-predisposing syndrome. Last evaluated: 2024-01-26. Review status: criteria provided, single submitter. Criteria: Ambry Variant Classification Scheme 2023. Collection method: clinical testing. Allele origin: germline.

GeneDx
Classification: Uncertain significance. Last evaluated: 2023-09-28. Review status: criteria provided, single submitter. Criteria: GeneDx Variant Classification Process June 2021. Collection method: clinical testing. Allele origin: germline. Affected: yes.
Comment: Not observed at significant frequency in large population cohorts (gnomAD); In silico analysis supports that this missense variant does not alter protein structure/function; Has not been previously published as pathogenic or benign to our knowledge